The following is an entry in ClinVar:

NM_005862.3(STAG1):c.2277+8057C>T

Gene: STAG1 (STAG1 cohesin complex component; minus strand). Cytogenetic location: 3q22.3.
Variant type: single nucleotide variant.
Coding change: c.2277+8057C>T on transcript NM_005862.3 (MANE Select); 8057 bases into the intron after coding-DNA position 2277, C replaced by T.
Molecular consequence: intron variant.
Genome position (GRCh38, 1-based): chr3:136,390,692, G>A on the plus strand (C>T on the coding strand, the complement: STAG1 is on the minus strand). VCF-style: chr3-136390692-G-A. GRCh37 (hg19) VCF-style: chr3-136109534-G-A.
Identifiers: ClinVar variation 2571187 (VCV002571187.27), dbSNP rs186500203, ClinGen allele CA83816893.

ClinVar aggregate classification (germline): Benign (1 of 4 stars; one submission).

Allele frequency attached by ClinVar (database versions not stated): 1000 Genomes Project 0.00160; 1000 Genomes Project 30x 0.00187; gnomAD 0.00409; TOPMed 0.00463.
gnomAD v4.1: 618 of 152,282 alleles (0.41%); highest among the groups gnomAD compares: Admixed American, 0.77%; 3 homozygotes.

Submission:

CeGaT Center for Human Genetics Tuebingen
Classification: Benign. Last evaluated: 2024-11-01. Review status: criteria provided, single submitter. Criteria: CeGaT Center For Human Genetics Tuebingen Variant Classification Criteria Version 2. Collection method: clinical testing. Allele origin: germline. Affected: yes. Observed: 13 variant alleles.
Comment: STAG1: BS1, BS2